The following is an entry in ClinVar:

NC_000008.10:g.(?_1857441)_(1905429_?)dup

Gene: ARHGEF10 (Rho guanine nucleotide exchange factor 10; plus strand). Cytogenetic location: 8p23.3.
Variant type: Duplication.
Identifiers: ClinVar variation 3245583 (VCV003245583.1).

ClinVar aggregate classification (germline): Uncertain significance (1 of 4 stars; one submission).

Submission:

Labcorp Genetics (formerly Invitae), Labcorp
Classification: Uncertain significance. Last evaluated: 2023-11-08. Review status: criteria provided, single submitter. Criteria: Invitae Variant Classification Sherloc (09022015). Collection method: clinical testing. Allele origin: unknown.
Comment: This variant results in a copy number gain of the genomic region encompassing exon(s) 18-29 of the ARHGEF10 gene. This region includes the termination codon of the gene. This copy number gain extends beyond the assayed region for this gene and therefore may encompass additional genes. As the precise location of this event is unknown, it may be in tandem or it may be located elsewhere in the genome. This variant has not been reported in the literature in individuals affected with ARHGEF10-related conditions. Experimental studies and prediction algorithms are not available or were not evaluated, and the functional significance of this variant is currently unknown. In summary, the available evidence is currently insufficient to determine the role of this variant in disease. Therefore, it has been classified as a Variant of Uncertain Significance.